The following is an entry in ClinVar:

ClinVar aggregate classification (germline): Conflicting classifications of pathogenicity. Review status: criteria provided, conflicting classifications (1 of 4 stars). 9 submissions from 9 submitters: Likely pathogenic (1); Uncertain significance (5). 3 of the submissions do not count toward it. Last evaluated 2026-02-23.

Conditions:
Autosomal recessive nonsyndromic hearing loss 77. Identifiers: Orphanet 90636, MedGen C2746083, MONDO:0013119, OMIM 613079.
Hearing impairment. Also called: Impaired Hearing. Identifiers: MedGen C1384666, MONDO:0005365, HP:0000365.
LOXHD1-related disorder. Also called: LOXHD1-related condition.

Allele frequency attached by ClinVar (database versions not stated): gnomAD 0.00002 and 0.00003; gnomAD exomes 0.00002; TOPMed 0.00003; ExAC 0.00005.

Submissions (9):

GeneDx
Classification: Uncertain significance. Last evaluated: 2026-02-23. Review status: criteria provided, single submitter. Criteria: GeneDx Variant Classification Process June 2021. Collection method: clinical testing. Allele origin: germline.
Comment: In silico analysis supports that this missense variant has a deleterious effect on protein structure/function; This variant is associated with the following publications: (PMID: 40501086, 40070250, 32682410, 34753855)

Laboratory of Genetics, Children's Clinical University Hospital Latvia
Classification: Uncertain significance. Last evaluated: 2025-02-16. Review status: criteria provided, single submitter. Criteria: ACMG Guidelines, 2015. Collection method: clinical testing. Allele origin: germline. Affected: yes.

Blueprint Genetics
Classification: Likely pathogenic for LOXHD1-related disorders. Last evaluated: 2023-01-17. Review status: criteria provided, single submitter. Criteria: ACMG Guidelines, 2015. Collection method: clinical testing. Allele origin: germline. Affected: yes. Observed: 2 variant alleles.

Labcorp Genetics (formerly Invitae), Labcorp
Classification: Uncertain significance. Last evaluated: 2022-02-09. Review status: criteria provided, single submitter. Criteria: Invitae Variant Classification Sherloc (09022015). Collection method: clinical testing. Allele origin: germline.
Comment: This sequence change replaces glutamic acid, which is acidic and polar, with lysine, which is basic and polar, at codon 2046 of the LOXHD1 protein (p.Glu2046Lys). This variant is present in population databases (rs774836161, gnomAD 0.004%). This missense change has been observed in individuals with deafness (PMID: 32682410; Invitae). It has also been observed to segregate with disease in related individuals. ClinVar contains an entry for this variant (Variation ID: 667027). Algorithms developed to predict the effect of missense changes on protein structure and function are either unavailable or do not agree on the potential impact of this missense change (SIFT: "Deleterious"; PolyPhen-2: "Benign"; Align-GVGD: "Class C0"). In summary, the available evidence is currently insufficient to determine the role of this variant in disease. Therefore, it has been classified as a Variant of Uncertain Significance.

Department of Otolaryngology – Head & Neck Surgery, Cochlear Implant Center
Classification: Uncertain significance for Hearing impairment. Last evaluated: 2021-04-12. Review status: criteria provided, single submitter. Criteria: ClinGen HL ACMG Specifications v1. Collection method: clinical testing. Allele origin: germline. Affected: yes.
Comment: PM2_Moderate, PP3_Supporting

Laboratory for Molecular Medicine, Mass General Brigham Personalized Medicine
Classification: Uncertain significance. Last evaluated: 2018-04-17. Review status: criteria provided, single submitter. Criteria: LMM Criteria. Collection method: clinical testing. Allele origin: germline. Observed: 1 variant allele.
Comment: The p.Glu2046Lys variant in LOXHD1 has not been previously reported in individua ls with hearing loss, but has been identified in 2/57840 of European and 1/22822 of South Asian chromosomes by the Genome Aggregation Database (gnomAD; dbSNP rs774836161). Computational prediction tools and conservation analysis suggest that the p.Glu2046Lys variant may impact the prot ein, though this information is not predictive enough to determine pathogenicity . In summary, the clinical significance of the p.Glu2046Lys variant is uncertain . ACMG/AMP Criteria applied: PM2_Supporting; PP3.

Natera, Inc.
Classification: Uncertain significance for Autosomal recessive deafness type 77. Last evaluated: 2020-02-21. Review status: no assertion criteria provided. Collection method: clinical testing. Allele origin: germline. Not counted in ClinVar's aggregate classification.

Clinical Genetics DNA and cytogenetics Diagnostics Lab, Erasmus MC, Erasmus Medical Center
Classification: Uncertain significance. Review status: no assertion criteria provided. Collection method: clinical testing. Allele origin: germline. Affected: yes. Study: VKGL Data-share Consensus. Not counted in ClinVar's aggregate classification.

Joint Genome Diagnostic Labs from Nijmegen and Maastricht, Radboudumc and MUMC+
Classification: Uncertain significance. Review status: no assertion criteria provided. Collection method: clinical testing. Allele origin: germline. Affected: yes. Study: VKGL Data-share Consensus. Not counted in ClinVar's aggregate classification.

Literature cited by the submitters: PubMed 32682410 (cited by Labcorp Genetics (formerly Invitae), Labcorp and Department of Otolaryngology – Head & Neck Surgery, Cochlear Implant Center).

NM_001384474.1(LOXHD1):c.6322G>A (p.Glu2108Lys)

Gene: LOXHD1 (lipoxygenase homology PLAT domains 1; minus strand). Cytogenetic location: 18q21.1.
Variant type: single nucleotide variant.
Coding change: c.6322G>A on transcript NM_001384474.1 (MANE Select); coding-DNA position 6322, G replaced by A.
Protein change: p.Glu2108Lys; replaces glutamic acid 2108 with lysine.
Molecular consequence: missense variant.
Genome position (GRCh38, 1-based): chr18:46,483,606, C>T on the plus strand (G>A on the coding strand, the complement: LOXHD1 is on the minus strand). VCF-style: chr18-46483606-C-T. GRCh37 (hg19) VCF-style: chr18-44063569-C-T.
Other names: c.2989G>A, p.Glu997Lys (NM_001145472.3); c.1039G>A, p.Glu347Lys (NM_001145473.3, NM_001173129.2); c.2701G>A, p.Glu901Lys (NM_001308013.2); c.6136G>A, p.Glu2046Lys (NM_144612.7); short protein forms E2046K, E901K, E997K, E347K, E2108K.
Identifiers: ClinVar variation 667027 (VCV000667027.16), dbSNP rs774836161, ClinGen allele CA8952057.